The following is an entry in ClinVar:

ClinVar aggregate classification (germline): Uncertain significance (1 of 4 stars; one submission).

Conditions:
Developmental and epileptic encephalopathy 97 (DEE97). Identifiers: MedGen C5561999, MONDO:0030453, OMIM 619561.

Submission:

Diagnostics Services (NGS), CSIR - Centre For Cellular And Molecular Biology
Classification: Uncertain significance for Developmental and epileptic encephalopathy 97. Last evaluated: 2023-06-05. Review status: criteria provided, single submitter. Criteria: ACMG Guidelines, 2015. Collection method: clinical testing. Allele origin: unknown. Affected: yes. Observed: 1 variant allele, 1 heterozygote.
Comment: The c.746G>T variant is not present in publicly available population databases like 1000 Genomes, ExAC, EVS, gnomAD, Indian Exome Database or our in-house exome database. This variant has neither been published in literature nor reported to clinical databases like in ClinVar, Human Gene Mutation Database (HGMD) or OMIM, in any affected individuals. In silico pathogenicity prediction programs like PolyPhen2, MutationTaster2, CADD, etc predicted this variant to be likely deleterious, however these predictions were not confirmed by published functional studies.

NM_001326342.2(CELF2):c.746G>T (p.Gly249Val)

Gene: CELF2 (CUGBP Elav-like family member 2; plus strand). Cytogenetic location: 10p14.
Variant type: single nucleotide variant.
Coding change: c.746G>T on transcript NM_001326342.2 (MANE Select); coding-DNA position 746, G replaced by T.
Protein change: p.Gly249Val; replaces glycine 249 with valine.
Molecular consequence: missense variant.
Genome position (GRCh38, 1-based): chr10:11,270,793, G>T. VCF-style: chr10-11270793-G-T. GRCh37 (hg19) VCF-style: chr10-11312756-G-T.
Other names: c.653G>T, p.Gly218Val (NM_001025076.2, NM_001083591.1, NM_001326317.2 and 15 more transcripts); c.725G>T, p.Gly242Val (NM_001025077.3, NM_001326331.2, NM_001326332.2 and 4 more transcripts); c.818G>T, p.Gly273Val (NM_001326325.2); c.761G>T, p.Gly254Val (NM_001326326.2, NM_001326327.2); c.41G>T, p.Gly14Val (NM_001326333.2, NM_001326346.2); c.392G>T, p.Gly131Val (NM_001326338.2, NM_001326339.2); c.746G>T, p.Gly249Val (NM_001326340.2, NM_001326341.2, NM_001326343.2 and 4 more transcripts); c.677G>T, p.Gly226Val (NM_001326347.1); short protein forms G131V, G14V, G218V, G226V, G242V, G249V, G254V, G273V.
Identifiers: ClinVar variation 2505351 (VCV002505351.2), dbSNP rs2548891766, ClinGen allele CA375969394.
Genomic context (GRCh38, chr10:11,270,793, plus strand): 5'-AGCAGCAGCTCGCTCAGCAGATGCAGCAGCTCAACACTGCCACCTGGGGGAACCTGACAG[G>T]GCTGGGCGGACTGACCCCACAGTATCTGGCGGTAAGTGCTGGGCAATGCCGGCGTGGTCT-3'
Protein context (NP_001313271.1, residues 239-259): LNTATWGNLT[Gly249Val]LGGLTPQYLA